The following is an entry in ClinVar:

ClinVar aggregate classification (germline): Pathogenic. Review status: criteria provided, multiple submitters, no conflicts (2 of 4 stars). 4 submissions from 4 submitters: Pathogenic (3). 1 of the submissions does not count toward it. Last evaluated 2025-09-05.

Conditions:
Alport syndrome. Also called: Hemorrhagic familial nephritis; Hemorrhagic hereditary nephritis; Congenital hereditary hematuria. Identifiers: Orphanet 63, MedGen C1567741, MONDO:0018965.
Autosomal recessive Alport syndrome (ATS2). Also called: Alport syndrome type 2; ALPORT SYNDROME 2, AUTOSOMAL RECESSIVE; COL4A3-Related Nephropathy; COL4A4 Alport Syndrome and Thin Basement Membrane Nephropathy. Identifiers: Orphanet 63, Orphanet 88919, MedGen C4746745, MONDO:0008762, OMIM 203780.

Allele frequency attached by ClinVar (database versions not stated): gnomAD exomes below 0.00001.
gnomAD v4.1: 1 of 1,612,508 alleles (0.000062%); highest among the groups gnomAD compares: East Asian, 0.0022%; no homozygotes.

Submissions (4):

Natera, Inc.
Classification: Pathogenic for Alport syndrome. Last evaluated: 2025-09-05. Review status: criteria provided, single submitter. Criteria: Natera Variant Classification Schema (03/2026). Collection method: clinical testing. Allele origin: germline.
Comment: The c.2084G>A variant in COL4A4 is a missense variant predicted to cause substitution of glycine to aspartic acid at amino acid 695. This variant is rare in the general population with a frequency below the threshold expected for the associated phenotype(s). This variant has been observed in one or more individuals affected with the associated recessive disease, as either homozygous or compound heterozygous with a second variant (PMID: 24633401, 33095447). This variant is located in a functionally critical region of the protein. Computational prediction algorithms indicate this variant is likely to affect gene or protein function. Given the available evidence, this variant is classified as Pathogenic.

3billion
Classification: Pathogenic for Autosomal recessive Alport syndrome. Last evaluated: 2025-03-26. Review status: criteria provided, single submitter. Criteria: ACMG Guidelines, 2015. Collection method: clinical testing. Allele origin: germline. Affected: yes.

Victorian Clinical Genetics Services, Murdoch Childrens Research Institute
Classification: Pathogenic for Alport syndrome. Last evaluated: 2021-05-06. Review status: criteria provided, single submitter. Criteria: ACMG Guidelines, 2015. Collection method: clinical testing. Allele origin: germline. Affected: yes.
Comment: Based on the classification scheme VCGS_Germline_v1.3.4, this variant is classified as Pathogenic. Following criteria are met: 0103 - Loss of function is a known mechanism of disease for this gene and is associated with COL4A4-related nephropathy. Dominant negative is a suspected mechanism of disease for this gene as it is a structural protein (PMIDs: 12028435, 24046192). (I) 0108 - This gene is associated with both recessive and dominant disease. Alport syndrome typically has biallelic inheritance, although rare cases of monoallelic inheritance have been reported (PMID: 28704582). TBMN and focal segmental glomerulosclerosis (FSGS) are associated with autosomal dominant inheritance (OMIM, PMIDs: 16467446, 17942953). (I) 0200 - Variant is predicted to result in a missense amino acid change from glycine to aspartic acid. (I) 0251 - This variant is heterozygous. (I) 0301 - Variant is absent from gnomAD (both v2 and v3). (SP) 0501 - Missense variant consistently predicted to be damaging by multiple in silico tools or highly conserved with a major amino acid change. (SP) 0601 - Variant is located in the well-established functional triple repeat collegen domain affecting a glycine residue of a G-X-Y repeat (Uniprot). (SP) 0705 - No comparable missense variants have previous evidence for pathogenicity. (I) 0801 - This variant has strong previous evidence of pathogenicity in unrelated individuals. This variant has been previously reported in multiple patients with Alport syndrome (ClinVar, LOVD, PMID: 24633401, 27281700, 33095447). (SP) 0905 - No published segregation evidence has been identified for this variant. (I) 1007 - No published functional evidence has been identified for this variant. (I) 1208 - Inheritance information for this variant is not currently available in this individual. (I) Legend: (SP) - Supporting pathogenic, (I) - Information, (SB) - Supporting benign

Counsyl
Classification: Likely pathogenic for Autosomal recessive Alport syndrome. Last evaluated: 2018-04-11. Review status: no assertion criteria provided. Collection method: clinical testing. Allele origin: unknown. Not counted in ClinVar's aggregate classification.

Literature cited by the submitters: PubMed 24633401 (cited by 4 submitters); PubMed 33095447 (cited by Natera, Inc. and Victorian Clinical Genetics Services, Murdoch Childrens Research Institute); PubMed 12028435 (cited by Victorian Clinical Genetics Services, Murdoch Childrens Research Institute); PubMed 16467446 (cited by Victorian Clinical Genetics Services, Murdoch Childrens Research Institute); PubMed 17942953 (cited by Victorian Clinical Genetics Services, Murdoch Childrens Research Institute); PubMed 24046192 (cited by Victorian Clinical Genetics Services, Murdoch Childrens Research Institute); PubMed 27281700 (cited by Victorian Clinical Genetics Services, Murdoch Childrens Research Institute and Counsyl); PubMed 28704582 (cited by Victorian Clinical Genetics Services, Murdoch Childrens Research Institute).

NM_000092.5(COL4A4):c.2084G>A (p.Gly695Asp)

Gene: COL4A4 (collagen type IV alpha 4 chain; minus strand). Cytogenetic location: 2q36.3.
Variant type: single nucleotide variant.
Coding change: c.2084G>A on transcript NM_000092.5 (MANE Select); coding-DNA position 2084, G replaced by A.
Protein change: p.Gly695Asp; replaces glycine 695 with aspartic acid.
Molecular consequence: missense variant.
Genome position (GRCh38, 1-based): chr2:227,060,216, C>T on the plus strand (G>A on the coding strand, the complement: COL4A4 is on the minus strand). VCF-style: chr2-227060216-C-T. GRCh37 (hg19) VCF-style: chr2-227924932-C-T.
Other names: short protein forms G695D.
Identifiers: ClinVar variation 557759 (VCV000557759.6), dbSNP rs1553644402, ClinGen allele CA350842419.